The following is an entry in ClinVar:

ClinVar aggregate classification (germline): Uncertain significance (1 of 4 stars; one submission).

Submission:

GeneDx
Classification: Uncertain significance. Last evaluated: 2025-07-02. Review status: criteria provided, single submitter. Criteria: GeneDx Variant Classification Process June 2021. Collection method: clinical testing. Allele origin: germline. Affected: yes.
Comment: Not observed at significant frequency in large population cohorts (gnomAD); In silico analysis supports that this missense variant has a deleterious effect on protein structure/function; Has not been previously published as pathogenic or benign to our knowledge; This variant is associated with the following publications: (PMID: 32169460, 36463079)

NM_001069.3(TUBB2A):c.1138C>T (p.Arg380Cys)

Gene: TUBB2A (tubulin beta 2A class IIa; minus strand). Cytogenetic location: 6p25.2.
Variant type: single nucleotide variant.
Coding change: c.1138C>T on transcript NM_001069.3 (MANE Select); coding-DNA position 1138, C replaced by T.
Protein change: p.Arg380Cys; replaces arginine 380 with cysteine.
Molecular consequence: missense variant.
Genome position (GRCh38, 1-based): chr6:3,154,063, G>A on the plus strand (C>T on the coding strand, the complement: TUBB2A is on the minus strand). VCF-style: chr6-3154063-G-A. GRCh37 (hg19) VCF-style: chr6-3154297-G-A.
Other names: c.883C>T, p.Arg295Cys (NM_001310315.2); short protein forms R295C, R380C.
Identifiers: ClinVar variation 1203166 (VCV001203166.4), dbSNP rs2113785018, ClinGen allele CA362591146.
Genomic context (GRCh38, chr6:3,154,063, plus strand): 5'-CCGTGTACCAGTGCAGGAAGGCCTTGCGCCGGAACATGGCCGTGAACTGCTCGGAGATGC[G>A]CTTGAACAGCTCCTGGATGGCCGTGCTGTTGCCGATGAAGGTGGCCGACATCTTCAGGCC-3'
Protein context (NP_001060.1, residues 370-390): NSTAIQELFK[Arg380Cys]ISEQFTAMFR